The following is an entry in ClinVar:

ClinVar aggregate classification (germline): Conflicting classifications of pathogenicity. Review status: criteria provided, conflicting classifications (1 of 4 stars). 2 submissions from 2 submitters: Uncertain significance (1); Likely benign (1). Last evaluated 2025-11-11.

Conditions:
Hereditary pancreatitis (PCTT). Also called: PRSS1-Related Hereditary Pancreatitis; Hereditary chronic pancreatitis. Identifiers: Orphanet 676, MedGen C0238339, MONDO:0008185, OMIM 167800.

Allele frequency attached by ClinVar (database versions not stated): gnomAD exomes 0.00001 and 0.00006; gnomAD 0.00002 and 0.00003; TOPMed 0.00004; ExAC 0.00008; 1000 Genomes Project 0.00040.
gnomAD v4.1: 13 of 1,307,970 alleles (0.00099%); highest among the groups gnomAD compares: East Asian, 0.034%; no homozygotes.

Submissions (2):

Labcorp Genetics (formerly Invitae), Labcorp
Classification: Likely benign. Last evaluated: 2025-11-11. Review status: criteria provided, single submitter. Criteria: Invitae Variant Classification Sherloc (09022015). Collection method: clinical testing. Allele origin: germline.

Ambry Genetics
Classification: Uncertain significance for Hereditary pancreatitis. Last evaluated: 2024-10-23. Review status: criteria provided, single submitter. Criteria: Ambry Variant Classification Scheme 2023. Collection method: clinical testing. Allele origin: germline.
Comment: The c.65+3A>G intronic variant results from an A to G substitution 3 nucleotides after coding exon 1 in the CPA1 gene. This nucleotide position is highly conserved in available vertebrate species. In silico splice site analysis predicts that this alteration may weaken the native splice donor site. Based on the available evidence, the clinical significance of this variant remains unclear.

NM_001868.4(CPA1):c.65+3A>G

Gene: CPA1 (carboxypeptidase A1; plus strand). Cytogenetic location: 7q32.2.
Variant type: single nucleotide variant.
Coding change: c.65+3A>G on transcript NM_001868.4 (MANE Select); 3 bases into the intron after coding-DNA position 65, A replaced by G.
Molecular consequence: intron variant.
Genome position (GRCh38, 1-based): chr7:130,380,588, A>G. VCF-style: chr7-130380588-A-G. GRCh37 (hg19) VCF-style: chr7-130020429-A-G.
Identifiers: ClinVar variation 1147595 (VCV001147595.12), dbSNP rs577008275, ClinGen allele CA4484657.